The following is an entry in ClinVar:

NM_000101.4(CYBA):c.553G>A (p.Val185Ile)

Gene: CYBA (cytochrome b-245 alpha chain; minus strand). Cytogenetic location: 16q24.2.
Variant type: single nucleotide variant.
Coding change: c.553G>A on transcript NM_000101.4 (MANE Select); coding-DNA position 553, G replaced by A.
Protein change: p.Val185Ile; replaces valine 185 with isoleucine.
Molecular consequence: missense variant.
Genome position (GRCh38, 1-based): chr16:88,643,388, C>T on the plus strand (G>A on the coding strand, the complement: CYBA is on the minus strand). VCF-style: chr16-88643388-C-T. GRCh37 (hg19) VCF-style: chr16-88709796-C-T.
Other names: short protein forms V185I.
Identifiers: ClinVar variation 1010892 (VCV001010892.7), dbSNP rs1158937022, ClinGen allele CA397056355.

ClinVar aggregate classification (germline): Uncertain significance. Review status: criteria provided, single submitter (1 of 4 stars). 2 submissions from 2 submitters: Uncertain significance (1). 1 of the submissions does not count toward it. Last evaluated 2021-08-31.

Conditions:
Chronic granulomatous disease. Identifiers: Orphanet 379, MedGen C0018203, MONDO:0018305.
Granulomatous disease, chronic, autosomal recessive, cytochrome b-negative. Also called: GRANULOMATOUS DISEASE, CHRONIC, AUTOSOMAL RECESSIVE, 4; Chronic granulomatous disease, autosomal, due to deficiency of CYBA; CGD DUE TO DEFICIENCY OF THE ALPHA SUBUNIT OF CYTOCHROME b; CGD, AUTOSOMAL RECESSIVE CYTOCHROME b-NEGATIVE; CYBA DEFICIENCY. Identifiers: Orphanet 379, MedGen C1856255, MONDO:0009308, OMIM 233690.

Allele frequency attached by ClinVar (database versions not stated): TOPMed 0.00001.

Submissions (2):

Labcorp Genetics (formerly Invitae), Labcorp
Classification: Uncertain significance for Granulomatous disease, chronic, autosomal recessive, cytochrome b-negative. Last evaluated: 2021-08-31. Review status: criteria provided, single submitter. Criteria: Invitae Variant Classification Sherloc (09022015). Collection method: clinical testing. Allele origin: germline.
Comment: This sequence change replaces valine with isoleucine at codon 185 of the CYBA protein (p.Val185Ile). The valine residue is weakly conserved and there is a small physicochemical difference between valine and isoleucine. The frequency data for this variant in the population databases is considered unreliable, as metrics indicate insufficient coverage at this position in the ExAC database. This variant has not been reported in the literature in individuals affected with CYBA-related conditions. Algorithms developed to predict the effect of missense changes on protein structure and function (SIFT, PolyPhen-2, Align-GVGD) all suggest that this variant is likely to be tolerated. In summary, the available evidence is currently insufficient to determine the role of this variant in disease. Therefore, it has been classified as a Variant of Uncertain Significance.

Natera, Inc.
Classification: Uncertain significance for Chronic granulomatous disease. Last evaluated: 2020-01-24. Review status: no assertion criteria provided. Collection method: clinical testing. Allele origin: germline. Not counted in ClinVar's aggregate classification.